The following is an entry in ClinVar:

NM_001267550.2(TTN):c.101107C>T (p.Arg33703Ter)

Genes: TTN (titin; minus strand), TTN-AS1 (TTN antisense RNA 1; plus strand). Cytogenetic location: 2q31.2.
Variant type: single nucleotide variant.
Coding change: c.101107C>T on transcript NM_001267550.2 (MANE Select); coding-DNA position 101107, C replaced by T.
Protein change: p.Arg33703Ter; replaces arginine 33703 with a stop codon.
Molecular consequence: nonsense.
Genome position (GRCh38, 1-based): chr2:178,535,508, G>A on the plus strand (C>T on the coding strand, the complement: TTN is on the minus strand). VCF-style: chr2-178535508-G-A. GRCh37 (hg19) VCF-style: chr2-179400235-G-A.
Other names: c.96184C>T, p.Arg32062Ter (NM_001256850.1); c.73912C>T, p.Arg24638Ter (NM_003319.4); c.93403C>T, p.Arg31135Ter (NM_133378.4); c.74287C>T, p.Arg24763Ter (NM_133432.3); c.74488C>T, p.Arg24830Ter (NM_133437.4); short protein forms R33703*, R32062*, R24638*, R31135*, R24763*, R24830*.
Identifiers: ClinVar variation 625156 (VCV000625156.18), dbSNP rs766265889, ClinGen allele CA1985929.

ClinVar aggregate classification (germline): Pathogenic/Likely pathogenic. Review status: criteria provided, multiple submitters, no conflicts (2 of 4 stars). 8 submissions from 8 submitters: Pathogenic (1); Likely pathogenic (7). Last evaluated 2025-10-23.

Conditions:
Dilated cardiomyopathy 1G (CMD1G). Identifiers: Orphanet 154, MedGen C1858763, MONDO:0011400, OMIM 604145.
Autosomal recessive limb-girdle muscular dystrophy type 2J (LGMDR10). Also called: Limb-girdle muscular dystrophy, type 2J; MUSCULAR DYSTROPHY, LIMB-GIRDLE, AUTOSOMAL RECESSIVE 10. Identifiers: Orphanet 140922, MedGen C1837342, MONDO:0012127, OMIM 608807.
Tibial muscular dystrophy (TMD). Also called: Tibial muscular dystrophy, tardive; UDD MYOPATHY; Udd Distal Myopathy – Tibial Muscular Dystrophy. Identifiers: Orphanet 609, MedGen C1838244, MONDO:0010870, OMIM 600334.
Myopathy, myofibrillar, 9, with early respiratory failure (MFM9). Also called: Hereditary myopathy with early respiratory failure; EDSTROM MYOPATHY; MYOPATHY, PROXIMAL, WITH EARLY RESPIRATORY MUSCLE INVOLVEMENT; Myopathy, distal, with early respiratory failure, autosomal dominant. Identifiers: Orphanet 178464, Orphanet 34521, MedGen C1863599, MONDO:0011362, OMIM 603689.
Hypertrophic cardiomyopathy 9. Also called: Familial hypertrophic cardiomyopathy 9. Identifiers: MedGen C1861065, MONDO:0013412, OMIM 613765.
Early-onset myopathy with fatal cardiomyopathy (CMYO5). Also called: Salih Myopathy; CONGENITAL MYOPATHY 5 WITH CARDIOMYOPATHY. Identifiers: Orphanet 289377, MedGen C2673677, MONDO:0012714, OMIM 611705. Disease mechanism: loss of function.
TTN-related disorder. Also called: TTN-related condition; TTN-related disease; TTN-related disorders.
Primary dilated cardiomyopathy (DCM). Also called: Dilated Cardiomyopathy. Identifiers: Orphanet 217604, MedGen C0007193, MeSH D002311, MONDO:0005021, HP:0001644. Inheritance: Various modes of inheritance.
Cardiovascular phenotype. Identifiers: MedGen CN230736.
Cardiomyopathy (CMYO). Also called: Cardiomyopathies. Identifiers: Orphanet 167848, MedGen C0878544, MONDO:0004994, HP:0001638. Inheritance: Various modes of inheritance.

Allele frequency attached by ClinVar (database versions not stated): ExAC 0.00001; gnomAD 0.00001; TOPMed 0.00001.
gnomAD v4.1: 9 of 1,613,744 alleles (0.00056%); highest among the groups gnomAD compares: African/African-American, 0.0027%; no homozygotes.

Submissions (8):

Labcorp Genetics (formerly Invitae), Labcorp
Classification: Pathogenic for Dilated cardiomyopathy 1G; Autosomal recessive limb-girdle muscular dystrophy type 2J. Last evaluated: 2025-10-23. Review status: criteria provided, single submitter. Criteria: Invitae Variant Classification Sherloc (09022015). Collection method: clinical testing. Allele origin: germline.
Comment: This sequence change creates a premature translational stop signal (p.Arg33703*) in the TTN gene. While this is not anticipated to result in nonsense mediated decay, it is expected to create a truncated TTN protein. This variant is present in population databases (rs766265889, gnomAD 0.002%). This premature translational stop signal has been observed in individuals with clinical features of autosomal recessive TTN-related conditions and/or dilated cardiomyopathy (PMID: 31712709, 31931689, 36264615; internal data). ClinVar contains an entry for this variant (Variation ID: 625156). This variant is located in the M band of TTN (PMID: 25589632). Truncating variants in this region have been previously reported in individuals affected with autosomal dominant or autosomal recessive myopathy and muscular dystrophy (PMID: 18948003, 23975875, 24395473). Truncating variants in this region have also been identified in individuals affected with autosomal dominant dilated cardiomyopathy and/or cardio-related conditions (PMID: 27869827, 32964742, internal data). For these reasons, this variant has been classified as Pathogenic.

Ambry Genetics
Classification: Likely pathogenic for Cardiovascular phenotype. Last evaluated: 2024-12-12. Review status: criteria provided, single submitter. Criteria: Ambry Variant Classification Scheme 2023. Collection method: clinical testing. Allele origin: germline.
Comment: The p.R24638* variant (also known as c.73912C>T), located in coding exon 185 of the TTN gene, results from a C to T substitution at nucleotide position 73912. This changes the amino acid from an arginine to a stop codon within coding exon 185. This changes the amino acid from a tryptophan to a stop codon within coding exon 185. This exon is located in the M-band region of the N2-B isoform of the titin protein and is constitutively expressed in TTN transcripts (percent spliced in or PSI 100%). This variant has been reported, as p.R33703* (c.101107C>T), in a pediatric dilated cardiomyopathy (DCM) cohort (Zaklyazminskaya E et al. Sci Rep, 2019 Nov;9:16409). This alteration is expected to result in loss of function by premature protein truncation or nonsense-mediated mRNA decay. While truncating variants in TTN are present in 1-3% of the general population, truncating variants in the M-band have been reported in association with autosomal recessive titinopathies, primarily presenting with skeletal myopathy phenotypes (Ceyhan-Birsoy O et al. Neurology. 2013 Oct 1;81(14):1205-14; De Cid R et al. Neurology. 2015;85(24):2126-35). In addition, regardless of their position, TTN truncating variants encoded in constitutive exons (PSI >90%) have been found to be significantly associated with dilated cardiomyopathy (DCM), though truncating variants in the A-band are the most common cause of DCM (Herman DS et al. N. Engl. J. Med., 2012 Feb;366:619-28; Roberts AM et al. Sci Transl Med, 2015 Jan;7:270ra6; Schafer S et al. Nat. Genet., 2017 01;49:46-53). Based on the majority of available evidence to date, this variant is likely to be pathogenic in association with autosomal recessive titinopathy; however, the clinical significance of this alteration with respect to cardiomyopathy remains unclear.

Molecular Genetics, Royal Melbourne Hospital
Classification: Likely pathogenic for Primary dilated cardiomyopathy. Last evaluated: 2023-09-04. Review status: criteria provided, single submitter. Criteria: ACMG Guidelines, 2015. Collection method: clinical testing. Allele origin: germline. Inheritance: Autosomal dominant inheritance. Affected: yes.
Comment: This sequence change in TTN is a nonsense variant predicted to cause a premature stop codon, p.(Arg33703*), in constitutively expressed exon 358 (percentage splice in, PSI, 100%) in the M-band. High PSI truncating variants in TTN have a significant association with dilated cardiomyopathy (PMID: 31216868). The highest population minor allele frequency in the population database gnomAD v2.1 is 0.002% (2/112,638 alleles) in the European (non-Finnish) population. This variant has been reported in multiple individuals with cardiomyopathy and has been reported to segregate in one family (PMID:31712709, 31931689; CHEO Diagnostic, Invitae). Based on the classification scheme RMH Modified ACMG/AMP Guidelines v1.6.1, this variant is classified as LIKELY PATHOGENIC. Following criteria are met: PVS1_Strong, PM2_Supporting, PS4_Moderate.

Fulgent Genetics
Classification: Likely pathogenic for Tibial muscular dystrophy; Myopathy, myofibrillar, 9, with early respiratory failure; Dilated cardiomyopathy 1G; Autosomal recessive limb-girdle muscular dystrophy type 2J; Early-onset myopathy with fatal cardiomyopathy; Hypertrophic cardiomyopathy 9. Last evaluated: 2021-11-24. Review status: criteria provided, single submitter. Criteria: ACMG Guidelines, 2015. Collection method: clinical testing. Allele origin: unknown.

Blueprint Genetics
Classification: Likely pathogenic for TTN-related disorders. Last evaluated: 2020-02-07. Review status: criteria provided, single submitter. Criteria: ACMG Guidelines, 2015. Collection method: clinical testing. Allele origin: germline. Affected: yes. Observed: 1 variant allele.

Laboratory for Molecular Medicine, Mass General Brigham Personalized Medicine
Classification: Likely pathogenic for Primary dilated cardiomyopathy. Last evaluated: 2019-04-12. Review status: criteria provided, single submitter. Criteria: ACMG Guidelines, 2015. Collection method: clinical testing. Allele origin: germline. Inheritance: Autosomal dominant inheritance.
Comment: The p.Arg31135X variant in TTN has not been reported in individuals with TTN-associated diseases, such as dilated cardiomyopathy and neuromuscular conditions but has been identified in 2/112638 of European chromosomes by gnomAD. This nonsense variant leads to a premature termination codon at position 31135, which is predicted to lead to a truncated or absent protein. TTN truncating variants located in exons that are highly expressed in the heart are strongly associated with autosomal dominant DCM, particularly if they are located in the A-band (Herman 2012, Pugh 2014, Roberts 2015). In addition, TTN variants have also been associated with myopathies and other neuromuscular conditions, which usually have autosomal recessive inheritance (Savarese 2016). The p.Arg31135X variant is located in a highly expressed exon in the M-band. In summary, although additional studies are required to fully establish its clinical significance, this variant meets criteria to be classified as likely pathogenic for TTN-associated diseases. ACMG/AMP Criteria applied: PVS1, PM2.

Petrovsky National Research Centre of Surgery, The Federal Agency for Scientific Organizations
Classification: Likely pathogenic for Dilated cardiomyopathy 1G. Last evaluated: 2019-03-22. Review status: criteria provided, single submitter. Criteria: ACMG Guidelines, 2015. Collection method: research. Allele origin: maternal, unknown. Inheritance: Autosomal dominant inheritance. Affected: yes. Observed: 2 heterozygotes. Clinical features observed: Cardiomyopathy (HP:0001638), Palpitations (HP:0001962), Premature ventricular contraction (HP:0006682), Dilated cardiomyopathy, Congestive heart failure (HP:0001635), Syncope (HP:0001279), Supraventricular arrhythmia (HP:0005115), Ventricular arrhythmia (HP:0004308), Pulmonary hypertension.
Comment: The c.101107C>T (p.Arg33703*) variant is, to our knowledge, very rare (MAF- 0.00001797 in the gnomAD). It is also a truncating variant located in constitutively expressed exon (PVS1 interpretation criteria). Based on this evidence and on family segregation data, we classify c.101107C>T (p.Arg33703*) variant as likely pathogenic.

CHEO Genetics Diagnostic Laboratory, Children's Hospital of Eastern Ontario
Classification: Likely pathogenic for Cardiomyopathy. Last evaluated: 2017-01-05. Review status: criteria provided, single submitter. Criteria: ACMG Guidelines, 2015. Collection method: clinical testing. Allele origin: germline. Study: Canadian Open Genetics Repository.

Literature cited by the submitters: PubMed 31712709 (cited by 3 submitters); PubMed 31931689 (cited by Labcorp Genetics (formerly Invitae), Labcorp and Molecular Genetics, Royal Melbourne Hospital); PubMed 36264615 (cited by Labcorp Genetics (formerly Invitae), Labcorp); PubMed 25589632 (cited by Labcorp Genetics (formerly Invitae), Labcorp); PubMed 18948003 (cited by Labcorp Genetics (formerly Invitae), Labcorp); PubMed 23975875 (cited by Labcorp Genetics (formerly Invitae), Labcorp); PubMed 24395473 (cited by Labcorp Genetics (formerly Invitae), Labcorp); PubMed 27869827 (cited by Labcorp Genetics (formerly Invitae), Labcorp); PubMed 32964742 (cited by Labcorp Genetics (formerly Invitae), Labcorp); PubMed 31216868 (cited by Molecular Genetics, Royal Melbourne Hospital).